The following is an entry in ClinVar:

NM_001242896.3(DEPDC5):c.3341A>T (p.Asp1114Val)

Gene: DEPDC5 (DEP domain containing 5, GATOR1 subcomplex subunit; plus strand). Cytogenetic location: 22q12.3.
Variant type: single nucleotide variant.
Coding change: c.3341A>T on transcript NM_001242896.3 (MANE Select); coding-DNA position 3341, A replaced by T.
Protein change: p.Asp1114Val; replaces aspartic acid 1114 with valine.
Molecular consequence: missense variant. On other transcripts: non-coding transcript variant (5).
Genome position (GRCh38, 1-based): chr22:31,870,600, A>T. VCF-style: chr22-31870600-A-T. GRCh37 (hg19) VCF-style: chr22-32266586-A-T.
Other names: c.3107A>T, p.Asp1036Val (NM_001364319.2, NM_001363854.2); c.3275A>T, p.Asp1092Val (NM_001364320.2, NM_001363852.2); c.3257A>T, p.Asp1086Val (NM_001369901.1, NM_001369902.1); c.3248A>T, p.Asp1083Val (NM_001369903.1, NM_014662.6); c.3341A>T, p.Asp1114Val (NM_001364318.2); c.3314A>T, p.Asp1105Val (NM_001136029.4); c.3041A>T, p.Asp1014Val (NM_001242897.2); short protein forms D1014V, D1036V, D1083V, D1086V, D1092V, D1105V, D1114V.
Identifiers: ClinVar variation 2637238 (VCV002637238.2), dbSNP rs2522179638, ClinGen allele CA411296383.

ClinVar aggregate classification (germline): Uncertain significance (1 of 4 stars; one submission).

Conditions:
DEPDC5-related disorder. Also called: DEPDC5-related condition; DEPDC5-related related disorder.

Submission:

PreventionGenetics, part of Exact Sciences
Classification: Uncertain significance for DEPDC5-related condition. Last evaluated: 2026-01-09. Review status: criteria provided, single submitter. Criteria: ACMG Guidelines, 2015. Collection method: clinical testing. Allele origin: germline.
Comment: The DEPDC5 c.3341A>T variant is predicted to result in the amino acid substitution p.Asp1114Val. To our knowledge, this variant has not been reported in the literature or in a large population database (gnomAD), indicating this variant is rare. At this time, the clinical significance of this variant is uncertain due to the absence of conclusive functional and genetic evidence.